The following is an entry in ClinVar:

NM_016252.4(BIRC6):c.3716G>T (p.Gly1239Val)

Gene: BIRC6 (baculoviral IAP repeat containing 6; plus strand). Cytogenetic location: 2p22.3.
Variant type: single nucleotide variant.
Coding change: c.3716G>T on transcript NM_016252.4 (MANE Select); coding-DNA position 3716, G replaced by T.
Protein change: p.Gly1239Val; replaces glycine 1239 with valine.
Molecular consequence: missense variant.
Genome position (GRCh38, 1-based): chr2:32,439,592, G>T. VCF-style: chr2-32439592-G-T. GRCh37 (hg19) VCF-style: chr2-32664660-G-T.
Other names: c.3674G>T, p.Gly1225Val (NM_001378125.1); short protein forms G1225V, G1239V.
Identifiers: ClinVar variation 3040538 (VCV003040538.2), dbSNP rs190360702, ClinGen allele CA1603183.

ClinVar aggregate classification (germline): Benign (0 of 4 stars; one submission).

Conditions:
BIRC6-related disorder. Also called: BIRC6-related condition.

Allele frequency attached by ClinVar (database versions not stated): TOPMed 0.00007; 1000 Genomes Project 30x 0.00047; 1000 Genomes Project 0.00060; ExAC 0.00067; gnomAD 0.00070.
gnomAD v4.1: 559 of 1,613,802 alleles (0.035%); highest among the groups gnomAD compares: East Asian, 0.013%; 3 homozygotes.

Submission:

PreventionGenetics, part of Exact Sciences
Classification: Benign for BIRC6-related condition. Last evaluated: 2019-09-10. Review status: no assertion criteria provided. Collection method: clinical testing. Allele origin: germline.
Comment: This variant is classified as benign based on ACMG/AMP sequence variant interpretation guidelines (Richards et al. 2015 PMID: 25741868, with internal and published modifications).